The following is an entry in ClinVar:

ClinVar aggregate classification (germline): Uncertain significance (1 of 4 stars; one submission).

Submission:

Labcorp Genetics (formerly Invitae), Labcorp
Classification: Uncertain significance. Last evaluated: 2024-05-15. Review status: criteria provided, single submitter. Criteria: Invitae Variant Classification Sherloc (09022015). Collection method: clinical testing. Allele origin: germline.
Comment: This sequence change replaces arginine, which is basic and polar, with leucine, which is neutral and non-polar, at codon 848 of the DRP2 protein (p.Arg848Leu). This variant is not present in population databases (gnomAD no frequency). This variant has not been reported in the literature in individuals affected with DRP2-related conditions. Advanced modeling of protein sequence and biophysical properties (such as structural, functional, and spatial information, amino acid conservation, physicochemical variation, residue mobility, and thermodynamic stability) has been performed at Invitae for this missense variant, however the output from this modeling did not meet the statistical confidence thresholds required to predict the impact of this variant on DRP2 protein function. In summary, the available evidence is currently insufficient to determine the role of this variant in disease. Therefore, it has been classified as a Variant of Uncertain Significance.

NM_001939.3(DRP2):c.2543G>T (p.Arg848Leu)

Gene: DRP2 (dystrophin related protein 2; plus strand). Cytogenetic location: Xq22.1.
Variant type: single nucleotide variant.
Coding change: c.2543G>T on transcript NM_001939.3 (MANE Select); coding-DNA position 2543, G replaced by T.
Protein change: p.Arg848Leu; replaces arginine 848 with leucine.
Molecular consequence: missense variant.
Genome position (GRCh38, 1-based): chrX:101,258,461, G>T. VCF-style: chrX-101258461-G-T. GRCh37 (hg19) VCF-style: chrX-100513450-G-T.
Other names: c.2309G>T, p.Arg770Leu (NM_001171184.2); short protein forms R848L, R770L.
Identifiers: ClinVar variation 3693364 (VCV003693364.2).